The following is an entry in ClinVar:

ClinVar aggregate classification (germline): Likely benign (1 of 4 stars; one submission).

Allele frequency attached by ClinVar (database versions not stated): 1000 Genomes Project 30x 0.00219; 1000 Genomes Project 0.00260; ESP Exome Variant Server 0.00269; TOPMed 0.00298; gnomAD 0.00360; gnomAD exomes 0.00418; ExAC 0.00426.
gnomAD v4.1: 6,673 of 1,614,122 alleles (0.41%); highest among the groups gnomAD compares: South Asian, 1.1%; 35 homozygotes.

Submission:

CeGaT Center for Human Genetics Tuebingen
Classification: Likely benign. Last evaluated: 2023-03-01. Review status: criteria provided, single submitter. Criteria: CeGaT Center For Human Genetics Tuebingen Variant Classification Criteria Version 2. Collection method: clinical testing. Allele origin: germline. Affected: yes. Observed: 2 variant alleles.
Comment: MYH13: BP4, BS2

NM_003802.3(MYH13):c.348+7G>A

Gene: MYH13 (myosin heavy chain 13; minus strand). Cytogenetic location: 17p13.1.
Variant type: single nucleotide variant.
Coding change: c.348+7G>A on transcript NM_003802.3 (MANE Select); 7 bases into the intron after coding-DNA position 348, G replaced by A.
Molecular consequence: intron variant.
Genome position (GRCh38, 1-based): chr17:10,362,353, C>T on the plus strand (G>A on the coding strand, the complement: MYH13 is on the minus strand). VCF-style: chr17-10362353-C-T. GRCh37 (hg19) VCF-style: chr17-10265670-C-T.
Identifiers: ClinVar variation 2647471 (VCV002647471.24), dbSNP rs200770578, ClinGen allele CA8386797.
Genomic context (GRCh38, chr17:10,362,353, plus strand): 5'-TTATCATTTGGATCTCGTTTTTACTCAGAGAGAGACATGAAATAAAAAGGTGTTTACAGA[C>T]ACTCACGTAGATCATCCAGGCTGCATAGCGCTCTTTGAGGTTGTACAGAACAGCAGGTTC-3'